The following is an entry in ClinVar:

ClinVar aggregate classification (germline): Conflicting classifications of pathogenicity. Review status: criteria provided, conflicting classifications (1 of 4 stars). 2 submissions from 2 submitters: Uncertain significance (1); Likely benign (1). Last evaluated 2024-12-18.

Conditions:
Hereditary cancer-predisposing syndrome. Also called: Neoplastic Syndromes, Hereditary; Tumor predisposition; Hereditary neoplastic syndrome; Hereditary Cancer Syndrome. Identifiers: Orphanet 140162, MedGen C0027672, MeSH D009386, MONDO:0015356.
Retinoblastoma (RB1). Also called: RETINOBLASTOMA, SOMATIC. Identifiers: Orphanet 790, MedGen C0035335, MeSH D012175, MONDO:0008380, OMIM 180200, HP:0009919. Disease mechanism: loss of function. Inheritance: Both sporadic and heritable forms are tested..

gnomAD v4.1: 1 of 1,601,286 alleles (0.000062%); highest among the groups gnomAD compares: Non-Finnish European, 0.000085%; no homozygotes.

Submissions (2):

Labcorp Genetics (formerly Invitae), Labcorp
Classification: Uncertain significance for Retinoblastoma. Last evaluated: 2024-12-18. Review status: criteria provided, single submitter. Criteria: Invitae Variant Classification Sherloc (09022015). Collection method: clinical testing. Allele origin: germline.
Comment: This sequence change replaces isoleucine, which is neutral and non-polar, with leucine, which is neutral and non-polar, at codon 181 of the RB1 protein (p.Ile181Leu). This variant is present in population databases (rs781708508, gnomAD 0.002%). This variant has not been reported in the literature in individuals affected with RB1-related conditions. An algorithm developed to predict the effect of missense changes on protein structure and function outputs the following: PolyPhen-2: "Benign". The leucine amino acid residue is found in multiple mammalian species, which suggests that this missense change does not adversely affect protein function. In summary, the available evidence is currently insufficient to determine the role of this variant in disease. Therefore, it has been classified as a Variant of Uncertain Significance.

Ambry Genetics
Classification: Likely benign for Hereditary cancer-predisposing syndrome. Last evaluated: 2024-05-28. Review status: criteria provided, single submitter. Criteria: Ambry Variant Classification Scheme 2023. Collection method: clinical testing. Allele origin: germline.

NM_000321.3(RB1):c.541A>T (p.Ile181Leu)

Gene: RB1 (RB transcriptional corepressor 1; plus strand). Cytogenetic location: 13q14.2.
Variant type: single nucleotide variant.
Coding change: c.541A>T on transcript NM_000321.3 (MANE Select); coding-DNA position 541, A replaced by T.
Protein change: p.Ile181Leu; replaces isoleucine 181 with leucine.
Molecular consequence: missense variant.
Genome position (GRCh38, 1-based): chr13:48,348,957, A>T. VCF-style: chr13-48348957-A-T. GRCh37 (hg19) VCF-style: chr13-48923093-A-T.
Other names: c.541A>T, p.Ile181Leu (NM_001407165.1, NM_001407166.1); short protein forms I181L.
Identifiers: ClinVar variation 3313030 (VCV003313030.3).